The following is an entry in ClinVar:

ClinVar aggregate classification (germline): Uncertain significance (1 of 4 stars; one submission).

Conditions:
SEMA3D-related disorder. Also called: SEMA3D-related condition.

gnomAD v4.1: 1 of 1,604,988 alleles (0.000062%); highest among the groups gnomAD compares: Non-Finnish European, 0.000085%; no homozygotes.

Submission:

PreventionGenetics, part of Exact Sciences
Classification: Uncertain significance for SEMA3D-related condition. Last evaluated: 2025-12-03. Review status: criteria provided, single submitter. Criteria: ACMG Guidelines, 2015. Collection method: clinical testing. Allele origin: germline.
Comment: The SEMA3D c.116A>G variant is predicted to result in the amino acid substitution p.Lys39Arg. To our knowledge, this variant has not been reported in the literature or in a large population database (gnomAD), indicating this variant is rare. At this time, the clinical significance of this variant is uncertain due to the absence of conclusive functional and genetic evidence.

NM_001384900.1(SEMA3D):c.116A>G (p.Lys39Arg)

Gene: SEMA3D (semaphorin 3D; minus strand). Cytogenetic location: 7q21.11.
Variant type: single nucleotide variant.
Coding change: c.116A>G on transcript NM_001384900.1 (MANE Select); coding-DNA position 116, A replaced by G.
Protein change: p.Lys39Arg; replaces lysine 39 with arginine.
Molecular consequence: missense variant.
Genome position (GRCh38, 1-based): chr7:85,121,776, T>C on the plus strand (A>G on the coding strand, the complement: SEMA3D is on the minus strand). VCF-style: chr7-85121776-T-C. GRCh37 (hg19) VCF-style: chr7-84751092-T-C.
Other names: c.116A>G, p.Lys39Arg (NM_001384901.1, NM_001384902.1, NM_001384903.1 and 1 more transcripts); short protein forms K39R.
Identifiers: ClinVar variation 4991332 (VCV004991332.1).
Genomic context (GRCh38, chr7:85,121,776, plus strand): 5'-ATTTAGAAAATATGTATATATTTACCTTTGTAGGTTAGCTTGAGTCTTGGAATATTTTGC[T>C]TCAAAGTGCCAGTGACTGGAAGAAACAACATGGTCATGCTTAGCATCATCAAAGCAGGAA-3'
Protein context (NP_001371829.1, residues 29-49): MLFLPVTGTL[Lys39Arg]QNIPRLKLTY